The following is an entry in ClinVar:

NM_138295.5(PKD1L1):c.8062G>A (p.Gly2688Arg)

Genes: PKD1L1 (polycystin 1 like 1, transient receptor potential channel interacting; minus strand), PKD1L1-AS1 (PKD1L1 antisense RNA 1; plus strand). Cytogenetic location: 7p12.3.
Variant type: single nucleotide variant.
Coding change: c.8062G>A on transcript NM_138295.5 (MANE Select); coding-DNA position 8062, G replaced by A.
Protein change: p.Gly2688Arg; replaces glycine 2688 with arginine.
Molecular consequence: missense variant.
Genome position (GRCh38, 1-based): chr7:47,800,780, C>T on the plus strand (G>A on the coding strand, the complement: PKD1L1 is on the minus strand). VCF-style: chr7-47800780-C-T. GRCh37 (hg19) VCF-style: chr7-47840378-C-T.
Other names: short protein forms G2688R.
Identifiers: ClinVar variation 3213572 (VCV003213572.2), dbSNP rs377032242, ClinGen allele CA4251826.

ClinVar aggregate classification (germline): Uncertain significance. Review status: criteria provided, multiple submitters, no conflicts (2 of 4 stars). 2 submissions from 2 submitters: Uncertain significance (2). Last evaluated 2025-12-11.

Conditions:
Inborn genetic diseases. Identifiers: MedGen C0950123, MeSH D030342.

Allele frequency attached by ClinVar (database versions not stated): gnomAD 0.00005; ExAC 0.00007; TOPMed 0.00008; ESP Exome Variant Server 0.00015.
gnomAD v4.1: 81 of 1,613,846 alleles (0.005%); highest among the groups gnomAD compares: Admixed American, 0.013%; no homozygotes.

Submissions (2):

Labcorp Genetics (formerly Invitae), Labcorp
Classification: Uncertain significance. Last evaluated: 2025-12-11. Review status: criteria provided, single submitter. Criteria: Invitae Variant Classification Sherloc (09022015). Collection method: clinical testing. Allele origin: germline.
Comment: This sequence change replaces glycine, which is neutral and non-polar, with arginine, which is basic and polar, at codon 2688 of the PKD1L1 protein (p.Gly2688Arg). This variant is present in population databases (rs377032242, gnomAD 0.01%). This variant has not been reported in the literature in individuals affected with PKD1L1-related conditions. ClinVar contains an entry for this variant (Variation ID: 3213572). Invitae Evidence Modeling of protein sequence and biophysical properties (such as structural, functional, and spatial information, amino acid conservation, physicochemical variation, residue mobility, and thermodynamic stability) indicates that this missense variant is not expected to disrupt PKD1L1 protein function with a negative predictive value of 80%. In summary, the available evidence is currently insufficient to determine the role of this variant in disease. Therefore, it has been classified as a Variant of Uncertain Significance.

Ambry Genetics
Classification: Uncertain significance for Inborn genetic diseases. Last evaluated: 2023-09-29. Review status: criteria provided, single submitter. Criteria: Ambry Variant Classification Scheme 2023. Collection method: clinical testing. Allele origin: germline.